The following is an entry in ClinVar:

ClinVar aggregate classification (germline): Uncertain significance. Review status: criteria provided, multiple submitters, no conflicts (2 of 4 stars). 2 submissions from 2 submitters: Uncertain significance (2). Last evaluated 2025-01-01.

Conditions:
Atrioventricular septal defect 5 (AVSD5). Identifiers: MedGen C3280939, MONDO:0013769, OMIM 614474.

Allele frequency attached by ClinVar (database versions not stated): TOPMed below 0.00001.
gnomAD v4.1: 18 of 1,151,904 alleles (0.0016%); highest among the groups gnomAD compares: East Asian, 0.0043%; no homozygotes.

Submissions (2):

CeGaT Center for Human Genetics Tuebingen
Classification: Uncertain significance. Last evaluated: 2025-01-01. Review status: criteria provided, single submitter. Criteria: CeGaT Center For Human Genetics Tuebingen Variant Classification Criteria Version 2. Collection method: clinical testing. Allele origin: germline. Affected: yes. Observed: 1 variant allele.
Comment: GATA6: PM2:Supporting, PP3

Labcorp Genetics (formerly Invitae), Labcorp
Classification: Uncertain significance for Atrioventricular septal defect 5. Last evaluated: 2020-12-08. Review status: criteria provided, single submitter. Criteria: Invitae Variant Classification Sherloc (09022015). Collection method: clinical testing. Allele origin: germline.
Comment: In summary, the available evidence is currently insufficient to determine the role of this variant in disease. Therefore, it has been classified as a Variant of Uncertain Significance. Algorithms developed to predict the effect of missense changes on protein structure and function are either unavailable or do not agree on the potential impact of this missense change (SIFT: "Deleterious"; PolyPhen-2: "Probably Damaging"; Align-GVGD: "Class C0"). This variant has not been reported in the literature in individuals with GATA6-related conditions. The frequency data for this variant in the population databases is considered unreliable, as metrics indicate insufficient coverage at this position in the ExAC database. This sequence change replaces glycine with glutamic acid at codon 248 of the GATA6 protein (p.Gly248Glu). The glycine residue is weakly conserved and there is a moderate physicochemical difference between glycine and glutamic acid.

NM_005257.6(GATA6):c.743G>A (p.Gly248Glu)

Gene: GATA6 (GATA binding protein 6; plus strand). Cytogenetic location: 18q11.2.
Variant type: single nucleotide variant.
Coding change: c.743G>A on transcript NM_005257.6 (MANE Select); coding-DNA position 743, G replaced by A.
Protein change: p.Gly248Glu; replaces glycine 248 with glutamic acid.
Molecular consequence: missense variant.
Genome position (GRCh38, 1-based): chr18:22,171,887, G>A. VCF-style: chr18-22171887-G-A. GRCh37 (hg19) VCF-style: chr18-19751848-G-A.
Other names: short protein forms G248E.
Identifiers: ClinVar variation 1359965 (VCV001359965.21), dbSNP rs1014382084, ClinGen allele CA297147832.
Genomic context (GRCh38, chr18:22,171,887, plus strand): 5'-CCTCGGCCGACAGCCCTCCATACGGCAGCGGAGGCGGCGCGGCTGGCGGCGGGGCCGCGG[G>A]GCCTGGCGGCGCTGGCTCAGCCGCGGCGCACGTCTCGGCGCGCTTCCCCTACTCTCCCAG-3'
Protein context (NP_005248.2, residues 238-258): GGGAAGGGAA[Gly248Glu]PGGAGSAAAH